The following is an entry in ClinVar:

NM_000179.3(MSH6):c.2517C>T (p.Asp839=)

Gene: MSH6 (mutS homolog 6; plus strand). Cytogenetic location: 2p16.3.
Variant type: single nucleotide variant.
Coding change: c.2517C>T on transcript NM_000179.3 (MANE Select); coding-DNA position 2517, C replaced by T.
Protein change: p.Asp839=; no amino-acid change (aspartic acid 839 retained).
Molecular consequence: synonymous variant.
Genome position (GRCh38, 1-based): chr2:47,800,500, C>T. VCF-style: chr2-47800500-C-T. GRCh37 (hg19) VCF-style: chr2-48027639-C-T.
Other names: c.2127C>T, p.Asp709= (NM_001281492.2); c.1611C>T, p.Asp537= (NM_001281493.2, NM_001281494.2).
Identifiers: ClinVar variation 416161 (VCV000416161.23), dbSNP rs902748383, ClinGen allele CA16610937.

ClinVar aggregate classification (germline): Benign/Likely benign. Review status: criteria provided, multiple submitters, no conflicts (2 of 4 stars). 7 submissions from 7 submitters: Benign (2); Likely benign (5). Last evaluated 2026-05-29.

Conditions:
Hereditary cancer-predisposing syndrome. Also called: Neoplastic Syndromes, Hereditary; Hereditary neoplastic syndrome; Hereditary Cancer Syndrome; Tumor predisposition. Identifiers: Orphanet 140162, MedGen C0027672, MeSH D009386, MONDO:0015356.
Lynch syndrome. Identifiers: Orphanet 144, MedGen C4552100, MONDO:0005835. Disease mechanism: loss of function.
Hereditary nonpolyposis colorectal neoplasms. Identifiers: MedGen C0009405, MeSH D003123.
Lynch syndrome 5 (LYNCH5). Also called: Colorectal cancer, hereditary nonpolyposis, type 5; Hereditary non-polyposis colorectal cancer, type 5. Identifiers: Orphanet 144, MedGen C1833477, MONDO:0013710, OMIM 614350. Disease mechanism: loss of function.

Allele frequency attached by ClinVar (database versions not stated): gnomAD exomes below 0.00001; gnomAD 0.00002 and 0.00001; TOPMed 0.00002.
gnomAD v4.1: 20 of 1,612,888 alleles (0.0012%); highest among the groups gnomAD compares: Non-Finnish European, 0.0017%; no homozygotes.

Submissions (7):

Women's Health and Genetics/Laboratory Corporation of America, LabCorp
Classification: Likely benign. Last evaluated: 2026-05-29. Review status: criteria provided, single submitter. Criteria: LabCorp Variant Classification Summary - May 2015. Collection method: clinical testing. Allele origin: germline.

Labcorp Genetics (formerly Invitae), Labcorp
Classification: Likely benign for Hereditary nonpolyposis colorectal neoplasms. Last evaluated: 2025-11-12. Review status: criteria provided, single submitter. Criteria: Invitae Variant Classification Sherloc (09022015). Collection method: clinical testing. Allele origin: germline.

Myriad Genetics, Inc.
Classification: Benign for Lynch syndrome 5. Last evaluated: 2024-12-31. Review status: criteria provided, single submitter. Criteria: Myriad Autosomal Dominant, Autosomal Recessive and X-Linked Classification Criteria (2023). Collection method: clinical testing. Allele origin: unknown.
Comment: This variant is considered benign. This variant is a silent/synonymous amino acid change and it is not expected to impact splicing.

All of Us Research Program, National Institutes of Health
Classification: Likely benign for Lynch syndrome. Last evaluated: 2024-04-16. Review status: criteria provided, single submitter. Criteria: ACMG Guidelines, 2015. Collection method: clinical testing. Allele origin: germline. Inheritance: Autosomal dominant inheritance. Observed: 3 variant alleles, 3 heterozygotes.
Comment: This study involves interpretation of variants in research participants for the purpose of population health screening. Participant phenotype was not available at the time of variant classification. Additional details can be found in publication PMID: 35346344, PMCID: PMC8962531

Ambry Genetics
Classification: Likely benign for Hereditary cancer-predisposing syndrome. Last evaluated: 2018-04-25. Review status: criteria provided, single submitter. Criteria: Ambry Variant Classification Scheme 2023. Collection method: clinical testing. Allele origin: germline.

Color Diagnostics, LLC DBA Color Health
Classification: Likely benign for Hereditary cancer-predisposing syndrome. Last evaluated: 2017-02-26. Review status: criteria provided, single submitter. Criteria: ACMG Guidelines, 2015. Collection method: clinical testing. Allele origin: germline.

GeneDx
Classification: Benign. Last evaluated: 2015-03-03. Review status: criteria provided, single submitter. Criteria: GeneDx Variant Classification Process June 2021. Collection method: clinical testing. Allele origin: germline. Affected: yes.